The following is an entry in ClinVar:

NM_144997.7(FLCN):c.759_760insAGC (p.Cys253_Leu254insSer)

Gene: FLCN (folliculin; minus strand). Cytogenetic location: 17p11.2.
Variant type: Insertion.
Coding change: c.759_760insAGC on transcript NM_144997.7 (MANE Select); coding-DNA positions 759 to 760, AGC inserted.
Protein change: p.Cys253_Leu254insSer.
Molecular consequence: inframe indel (on NM_144997.5).
Genome position: GRCh38 VCF-style: chr17-17222520-G-GGCT. GRCh37 (hg19) VCF-style: chr17-17125834-G-GGCT.
Other names: c.813_814insAGC, p.Cys271_Leu272insSer (NM_001353229.2); c.759_760insAGC, p.Cys253_Leu254insSer (NM_001353230.2, NM_001353231.2, NM_144606.7); c.759_760insAGC (NM_144997.5).
Identifiers: ClinVar variation 3515642 (VCV003515642.1).
Genomic context (GRCh38, chr17:17,222,520, plus strand): 5'-TCTATCCTAACAGATATGCCAAAAGCAGAGACGCCCGTTACCAGGCAAAGGAGGTGTGCA[G>GGCT]GCACGCCCACAGGTTGTCATCACTTGTCAGCGATGTCAGCGAGCGGGCGGCGTTGCCGTT-3'

ClinVar aggregate classification (germline): Uncertain significance (1 of 4 stars; one submission).

Conditions:
Hereditary cancer-predisposing syndrome. Also called: Tumor predisposition; Neoplastic Syndromes, Hereditary; Hereditary Cancer Syndrome; Hereditary neoplastic syndrome. Identifiers: Orphanet 140162, MedGen C0027672, MeSH D009386, MONDO:0015356.

Submission:

Ambry Genetics
Classification: Uncertain significance for Hereditary cancer-predisposing syndrome. Last evaluated: 2024-09-17. Review status: criteria provided, single submitter. Criteria: Ambry Variant Classification Scheme 2023. Collection method: clinical testing. Allele origin: germline.
Comment: The c.759_760insAGC variant (also known as p.C253_L254insS), located in coding exon 4 of the FLCN gene, results from an in-frame AGC insertion at nucleotide positions 759 to 760. This results in the insertion of an extra serine residue between codons 253 and 254. This amino acid region is well conserved in available vertebrate species. In addition, this alteration is predicted to be deleterious by in silico analysis (Choi Y et al. PLoS ONE. 2012; 7(10):e46688). Based on the available evidence, the clinical significance of this variant remains unclear.